The following is an entry in ClinVar:

NM_001199397.3(NEK1):c.1625G>A (p.Arg542Gln)

Gene: NEK1 (NIMA related kinase 1; minus strand). Cytogenetic location: 4q33.
Variant type: single nucleotide variant.
Coding change: c.1625G>A on transcript NM_001199397.3 (MANE Select); coding-DNA position 1625, G replaced by A.
Protein change: p.Arg542Gln; replaces arginine 542 with glutamine.
Molecular consequence: missense variant. On other transcripts: non-coding transcript variant (1).
Genome position (GRCh38, 1-based): chr4:169,537,849, C>T on the plus strand (G>A on the coding strand, the complement: NEK1 is on the minus strand). VCF-style: chr4-169537849-C-T. GRCh37 (hg19) VCF-style: chr4-170459000-C-T.
Other names: c.1493G>A, p.Arg498Gln (NM_001199398.3, NM_001199400.3); c.1418G>A, p.Arg473Gln (NM_001199399.3); c.1625G>A, p.Arg542Gln (NM_001374418.1, NM_001374419.1, NM_012224.4); c.1574G>A, p.Arg525Gln (NM_001374420.1); c.1499G>A, p.Arg500Gln (NM_001374421.1); short protein forms R498Q, R473Q, R525Q, R500Q, R542Q.
Identifiers: ClinVar variation 903212 (VCV000903212.8), dbSNP rs1032792680, ClinGen allele CA109918491.

ClinVar aggregate classification (germline): Uncertain significance. Review status: criteria provided, multiple submitters, no conflicts (2 of 4 stars). 2 submissions from 2 submitters: Uncertain significance (2). Last evaluated 2022-08-15.

Conditions:
Short-rib thoracic dysplasia 6 with or without polydactyly (SRTD6). Also called: Majewski Syndrome; POLYDACTYLY WITH NEONATAL CHONDRODYSTROPHY, TYPE II; SHORT RIB-POLYDACTYLY SYNDROME, TYPE IIA; SHORT-RIB THORACIC DYSPLASIA 6 WITH POLYDACTYLY; SHORT-RIB THORACIC DYSPLASIA 6 WITHOUT POLYDACTYLY. Identifiers: MedGen C0024507, MONDO:0009894, OMIM 263520.

Allele frequency attached by ClinVar (database versions not stated): gnomAD 0.00001; gnomAD exomes 0.00002; TOPMed 0.00002.
gnomAD v4.1: 34 of 1,612,138 alleles (0.0021%); highest among the groups gnomAD compares: Non-Finnish European, 0.0027%; no homozygotes.

Submissions (2):

Labcorp Genetics (formerly Invitae), Labcorp
Classification: Uncertain significance for Short-rib thoracic dysplasia 6 with or without polydactyly. Last evaluated: 2022-08-15. Review status: criteria provided, single submitter. Criteria: Invitae Variant Classification Sherloc (09022015). Collection method: clinical testing. Allele origin: germline.
Comment: In summary, the available evidence is currently insufficient to determine the role of this variant in disease. Therefore, it has been classified as a Variant of Uncertain Significance. Advanced modeling of protein sequence and biophysical properties (such as structural, functional, and spatial information, amino acid conservation, physicochemical variation, residue mobility, and thermodynamic stability) performed at Invitae indicates that this missense variant is not expected to disrupt NEK1 protein function. ClinVar contains an entry for this variant (Variation ID: 903212). This variant has not been reported in the literature in individuals affected with NEK1-related conditions. The frequency data for this variant in the population databases is considered unreliable, as metrics indicate poor data quality at this position in the gnomAD database. This sequence change replaces arginine, which is basic and polar, with glutamine, which is neutral and polar, at codon 542 of the NEK1 protein (p.Arg542Gln).

Illumina Laboratory Services, Illumina
Classification: Uncertain significance for Short-rib thoracic dysplasia 6 with or without polydactyly. Last evaluated: 2018-01-12. Review status: criteria provided, single submitter. Criteria: ICSL Variant Classification Criteria 13 December 2019. Collection method: clinical testing. Allele origin: germline.